The following is an entry in ClinVar:

ClinVar aggregate classification (germline): Pathogenic (1 of 4 stars; one submission).

Conditions:
Primary familial dilated cardiomyopathy (FDC). Also called: Familial dilated cardiomyopathy; Hypokinetic dilated cardiomyopathy, familial. Identifiers: Orphanet 217607, MedGen C0340427, MONDO:0016333.

Submission:

Women's Health and Genetics/Laboratory Corporation of America, LabCorp
Classification: Pathogenic for Primary familial dilated cardiomyopathy. Last evaluated: 2025-07-17. Review status: criteria provided, single submitter. Criteria: LabCorp Variant Classification Summary - May 2015. Collection method: clinical testing. Allele origin: germline.
Comment: Variant summary: EYA4 c.1014delT (p.Asp340MetfsX64) results in a premature termination codon, predicted to cause a truncation of the encoded protein or absence of the protein due to nonsense mediated decay, which are commonly known mechanisms for disease. The variant was absent in 250664 control chromosomes. To our knowledge, no occurrence of c.1014delT in individuals affected with Dilated Cardiomyopathy and no experimental evidence demonstrating its impact on protein function have been reported. No submitters have cited clinical-significance assessments for this variant to ClinVar. Based on the evidence outlined above, the variant was classified as pathogenic.

NM_004100.5(EYA4):c.1014del (p.Asp340fs)

Gene: EYA4 (EYA transcriptional coactivator and phosphatase 4; plus strand). Cytogenetic location: 6q23.2.
Variant type: Deletion.
Coding change: c.1014del on transcript NM_004100.5 (MANE Select); coding-DNA position 1014, one base deleted (T; older notation c.1014delT).
Protein change: p.Asp340fs; shifts the reading frame from aspartic acid 340.
Molecular consequence: frameshift variant.
Genome position (GRCh38, 1-based): chr6:133,481,506, T deleted. VCF-style (leftmost placement, unchanged base first): chr6-133481505-AT-A. GRCh37 (hg19) VCF-style: chr6-133802643-AT-A.
Other names: c.1014delT (NM_004100.5); c.852del, p.Asp286fs (NM_001301012.2); c.1032del, p.Asp346fs (NM_001301013.2); c.945del, p.Asp317fs (NM_001370458.1, NM_172103.4); c.870del, p.Asp292fs (NM_001370459.1); c.1014del, p.Asp340fs (NM_172105.4); short protein forms D292fs, D317fs, D286fs, D340fs, D346fs.
Identifiers: ClinVar variation 4525812 (VCV004525812.1).